The following is an entry in ClinVar:

NM_001365999.1(SZT2):c.5645A>G (p.Asn1882Ser)

Gene: SZT2 (SZT2 subunit of KICSTOR complex; plus strand). Cytogenetic location: 1p34.2.
Variant type: single nucleotide variant.
Coding change: c.5645A>G on transcript NM_001365999.1 (MANE Select); coding-DNA position 5645, A replaced by G.
Protein change: p.Asn1882Ser; replaces asparagine 1882 with serine.
Molecular consequence: missense variant.
Genome position (GRCh38, 1-based): chr1:43,433,031, A>G. VCF-style: chr1-43433031-A-G. GRCh37 (hg19) VCF-style: chr1-43898702-A-G.
Other names: c.5474A>G, p.Asn1825Ser (NM_015284.4); short protein forms N1825S, N1882S.
Identifiers: ClinVar variation 411932 (VCV000411932.10), dbSNP rs573213368, ClinGen allele CA809654.

ClinVar aggregate classification (germline): Conflicting classifications of pathogenicity. Review status: criteria provided, conflicting classifications (1 of 4 stars). 3 submissions from 3 submitters: Uncertain significance (2); Likely benign (1). Last evaluated 2026-04-06.

Conditions:
Inborn genetic diseases. Identifiers: MedGen C0950123, MeSH D030342.

Allele frequency attached by ClinVar (database versions not stated): TOPMed 0.00002; ExAC 0.00003; gnomAD 0.00004 and 0.00003; 1000 Genomes Project 30x 0.00031; 1000 Genomes Project 0.00020; gnomAD exomes 0.00004 and 0.00014.
gnomAD v4.1: 202 of 1,614,084 alleles (0.013%); highest among the groups gnomAD compares: Non-Finnish European, 0.017%; no homozygotes.

Submissions (3):

GeneDx
Classification: Uncertain significance. Last evaluated: 2026-04-06. Review status: criteria provided, single submitter. Criteria: GeneDx Variant Classification Process June 2021. Collection method: clinical testing. Allele origin: germline.
Comment: Not observed at significant frequency in large population cohorts (gnomAD); In silico analysis suggests that this missense variant does not alter protein structure/function; Has not been previously published as pathogenic or benign to our knowledge

Labcorp Genetics (formerly Invitae), Labcorp
Classification: Uncertain significance. Last evaluated: 2021-09-01. Review status: criteria provided, single submitter. Criteria: Invitae Variant Classification Sherloc (09022015). Collection method: clinical testing. Allele origin: germline.
Comment: This sequence change replaces asparagine with serine at codon 1825 of the SZT2 protein (p.Asn1825Ser). The asparagine residue is weakly conserved and there is a small physicochemical difference between asparagine and serine. This variant is present in population databases (rs573213368, ExAC 0.01%). This variant has not been reported in the literature in individuals affected with SZT2-related conditions. Algorithms developed to predict the effect of missense changes on protein structure and function output the following: SIFT: "Tolerated"; PolyPhen-2: "Benign"; Align-GVGD: "Class C0". The serine amino acid residue is found in multiple mammalian species, which suggests that this missense change does not adversely affect protein function. In summary, the available evidence is currently insufficient to determine the role of this variant in disease. Therefore, it has been classified as a Variant of Uncertain Significance.

Ambry Genetics
Classification: Likely benign for Inborn genetic diseases. Last evaluated: 2021-03-25. Review status: criteria provided, single submitter. Criteria: Ambry Variant Classification Scheme 2023. Collection method: clinical testing. Allele origin: germline.